The following is an entry in ClinVar:

NM_182914.3(SYNE2):c.14533G>A (p.Glu4845Lys)

Gene: SYNE2 (spectrin repeat containing nuclear envelope protein 2; plus strand). Cytogenetic location: 14q23.2.
Variant type: single nucleotide variant.
Coding change: c.14533G>A on transcript NM_182914.3 (MANE Select); coding-DNA position 14533, G replaced by A.
Protein change: p.Glu4845Lys; replaces glutamic acid 4845 with lysine.
Molecular consequence: missense variant.
Genome position (GRCh38, 1-based): chr14:64,134,087, G>A. VCF-style: chr14-64134087-G-A. GRCh37 (hg19) VCF-style: chr14-64600805-G-A.
Other names: c.14533G>A, p.Glu4845Lys (NM_015180.6); short protein forms E4845K.
Identifiers: ClinVar variation 3697047 (VCV003697047.2).

ClinVar aggregate classification (germline): Uncertain significance (1 of 4 stars; one submission).

Conditions:
Emery-Dreifuss muscular dystrophy 5, autosomal dominant (EDMD5). Also called: EMERY-DREIFUSS MUSCULAR DYSTROPHY 5. Identifiers: Orphanet 261, MedGen C2751805, MONDO:0013072, OMIM 612999.

gnomAD v4.1: 1 of 1,614,062 alleles (0.000062%); highest among the groups gnomAD compares: Non-Finnish European, 0.000085%; no homozygotes.

Submission:

Labcorp Genetics (formerly Invitae), Labcorp
Classification: Uncertain significance for Emery-Dreifuss muscular dystrophy 5, autosomal dominant. Last evaluated: 2024-04-23. Review status: criteria provided, single submitter. Criteria: Invitae Variant Classification Sherloc (09022015). Collection method: clinical testing. Allele origin: germline.
Comment: This sequence change replaces glutamic acid, which is acidic and polar, with lysine, which is basic and polar, at codon 4845 of the SYNE2 protein (p.Glu4845Lys). This variant is not present in population databases (gnomAD no frequency). This variant has not been reported in the literature in individuals affected with SYNE2-related conditions. An algorithm developed to predict the effect of missense changes on protein structure and function (PolyPhen-2) suggests that this variant is likely to be disruptive. In summary, the available evidence is currently insufficient to determine the role of this variant in disease. Therefore, it has been classified as a Variant of Uncertain Significance.